The following is an entry in ClinVar:

NM_025137.4(SPG11):c.5266G>A (p.Ala1756Thr)

Genes: SPG11 (SPG11 vesicle trafficking associated, spatacsin; minus strand), LOC130056971 (ATAC-STARR-seq lymphoblastoid silent region 6398; plus strand). Cytogenetic location: 15q21.1.
Variant type: single nucleotide variant.
Coding change: c.5266G>A on transcript NM_025137.4 (MANE Select); coding-DNA position 5266, G replaced by A.
Protein change: p.Ala1756Thr; replaces alanine 1756 with threonine.
Molecular consequence: missense variant.
Genome position (GRCh38, 1-based): chr15:44,584,414, C>T on the plus strand (G>A on the coding strand, the complement: SPG11 is on the minus strand). VCF-style: chr15-44584414-C-T. GRCh37 (hg19) VCF-style: chr15-44876612-C-T.
Other names: c.5266G>A, p.Ala1756Thr (NM_001160227.2); c.5122G>A, p.Ala1708Thr (NM_001411132.1); short protein forms A1756T, A1708T.
Identifiers: ClinVar variation 2044007 (VCV002044007.1), dbSNP rs772186328, ClinGen allele CA7534437.

ClinVar aggregate classification (germline): Uncertain significance (1 of 4 stars; one submission).

Conditions:
Hereditary spastic paraplegia 11. Also called: SPASTIC PARAPLEGIA, AUTOSOMAL RECESSIVE, COMPLICATED, WITH THIN CORPUS CALLOSUM; SPASTIC PARAPLEGIA, AUTOSOMAL RECESSIVE, WITH MENTAL IMPAIRMENT AND THIN CORPUS CALLOSUM; Spastic Paraplegia 11; Spastic paraplegia, mental retardation and thin corpus callosum; Nakamura Osame syndrome; Autosomal recessive hereditary spastic paraplegia, mental impairment, and thin corpus callosum. Identifiers: Orphanet 2822, MedGen C1858479, MONDO:0011445, OMIM 604360.

Allele frequency attached by ClinVar (database versions not stated): gnomAD exomes below 0.00001; ExAC 0.00001.
gnomAD v4.1: 1 of 1,614,114 alleles (0.000062%); highest among the groups gnomAD compares: Admixed American, 0.0017%; no homozygotes.

Submission:

Labcorp Genetics (formerly Invitae), Labcorp
Classification: Uncertain significance for Hereditary spastic paraplegia 11. Last evaluated: 2021-12-15. Review status: criteria provided, single submitter. Criteria: Invitae Variant Classification Sherloc (09022015). Collection method: clinical testing. Allele origin: germline.
Comment: This sequence change replaces alanine, which is neutral and non-polar, with threonine, which is neutral and polar, at codon 1756 of the SPG11 protein (p.Ala1756Thr). This variant is present in population databases (rs772186328, gnomAD 0.006%). This variant has not been reported in the literature in individuals affected with SPG11-related conditions. Algorithms developed to predict the effect of missense changes on protein structure and function are either unavailable or do not agree on the potential impact of this missense change (SIFT: "Deleterious"; PolyPhen-2: "Probably Damaging"; Align-GVGD: "Class C0"). In summary, the available evidence is currently insufficient to determine the role of this variant in disease. Therefore, it has been classified as a Variant of Uncertain Significance.